The following is an entry in ClinVar:

ClinVar aggregate classification (germline): Likely benign. Review status: criteria provided, multiple submitters, no conflicts (2 of 4 stars). 3 submissions from 3 submitters: Likely benign (3). Last evaluated 2022-12-01.

Conditions:
Mannose-binding lectin deficiency. Also called: MBP DEFICIENCY; MBL DEFICIENCY; MBL2 DEFICIENCY; LECTIN COMPLEMENT ACTIVATION PATHWAY, DEFECT IN, 1; Chronic infections, due to MBL deficiency. Identifiers: MedGen C3280586, MONDO:0013714, OMIM 614372.

Allele frequency attached by ClinVar (database versions not stated): 1000 Genomes Project 0.27696; 1000 Genomes Project 30x 0.28232; gnomAD 0.28518 and 0.29126; TOPMed 0.29024.

Submissions (3):

CeGaT Center for Human Genetics Tuebingen
Classification: Likely benign. Last evaluated: 2022-12-01. Review status: criteria provided, single submitter. Criteria: CeGaT Center For Human Genetics Tuebingen Variant Classification Criteria Version 2. Collection method: clinical testing. Allele origin: germline. Affected: yes. Observed: 1 variant allele.
Comment: MBL2: PS3:Moderate, BS1, BS2

Illumina Laboratory Services, Illumina
Classification: Likely benign for Mannose-binding lectin deficiency. Last evaluated: 2018-01-13. Review status: criteria provided, single submitter. Criteria: ICSL Variant Classification Criteria 13 December 2019. Collection method: clinical testing. Allele origin: germline.
Comment: This variant was observed in the ICSL laboratory as part of a predisposition screen in an ostensibly healthy population. It had not been previously curated by ICSL or reported in the Human Gene Mutation Database (HGMD: prior to June 1st, 2018), and was therefore a candidate for classification through an automated scoring system. Utilizing variant allele frequency, disease prevalence and penetrance estimates, and inheritance mode, an automated score was calculated to assess if this variant is too frequent to cause the disease. Based on the score and internal cut-off values, a variant classified as likely benign is not then subjected to further curation. The score for this variant resulted in a classification of likely benign for this disease.

Breakthrough Genomics
Classification: Likely benign. Review status: criteria provided, single submitter. Criteria: ACMG Guidelines, 2015. Collection method: not provided. Allele origin: germline. Inheritance: Autosomal dominant inheritance. Affected: yes.

NM_001378373.1(MBL2):c.*1275T>C

Gene: MBL2 (mannose binding lectin 2; minus strand). Cytogenetic location: 10q21.1.
Variant type: single nucleotide variant.
Coding change: c.*1275T>C on transcript NM_001378373.1 (MANE Select); 1275 bases downstream of the stop codon, T replaced by C.
Molecular consequence: 3 prime UTR variant.
Genome position (GRCh38, 1-based): chr10:52,766,862, A>G on the plus strand (T>C on the coding strand, the complement: MBL2 is on the minus strand). VCF-style: chr10-52766862-A-G. GRCh37 (hg19) VCF-style: chr10-54526622-A-G.
Other names: c.*1275T>C (NM_000242.3, NM_001378374.1).
Identifiers: ClinVar variation 300131 (VCV000300131.35), dbSNP rs10082466, ClinGen allele CA10635910.